The following is an entry in ClinVar:

ClinVar aggregate classification (germline): Conflicting classifications of pathogenicity. Review status: criteria provided, conflicting classifications (1 of 4 stars). 10 submissions from 10 submitters: Uncertain significance (5); Benign (1); Likely benign (3). 1 of the submissions does not count toward it. Last evaluated 2026-01-14.

Conditions:
Hereditary spastic paraplegia 48. Also called: Spastic paraplegia 48; SPASTIC PARAPLEGIA 48, AUTOSOMAL RECESSIVE. Identifiers: Orphanet 306511, MedGen C3150901, MONDO:0013342, OMIM 613647.
Inborn genetic diseases. Identifiers: MedGen C0950123, MeSH D030342.
Retinal dystrophy. Also called: Inherited retinal dystrophy. Identifiers: Orphanet 71862, MedGen C0854723, MeSH D058499, MONDO:0019118, HP:0000556.
Hereditary spastic paraplegia. Also called: Familial spastic paraparesis. Identifiers: Orphanet 685, MedGen C0037773, MONDO:0019064. Disease mechanism: loss of function.

Allele frequency attached by ClinVar (database versions not stated): gnomAD exomes 0.00049 and 0.00054; TOPMed 0.00049; gnomAD 0.00064 and 0.00065; ExAC 0.00069; ESP Exome Variant Server 0.00073.
gnomAD v4.1: 803 of 1,611,398 alleles (0.05%); highest among the groups gnomAD compares: Non-Finnish European, 0.064%; 5 homozygotes.

Submissions (10):

Labcorp Genetics (formerly Invitae), Labcorp
Classification: Uncertain significance for Hereditary spastic paraplegia 48. Last evaluated: 2026-01-14. Review status: criteria provided, single submitter. Criteria: Invitae Variant Classification Sherloc (09022015). Collection method: clinical testing. Allele origin: germline.
Comment: This sequence change replaces serine, which is neutral and polar, with leucine, which is neutral and non-polar, at codon 655 of the AP5Z1 protein (p.Ser655Leu). This variant is present in population databases (rs61750324, gnomAD 0.1%), and has an allele count higher than expected for a pathogenic variant. This variant has not been reported in the literature in individuals affected with AP5Z1-related conditions. ClinVar contains an entry for this variant (Variation ID: 360343). Invitae Evidence Modeling of protein sequence and biophysical properties (such as structural, functional, and spatial information, amino acid conservation, physicochemical variation, residue mobility, and thermodynamic stability) has been performed for this missense variant. However, the output from this modeling did not meet the statistical confidence thresholds required to predict the impact of this variant on AP5Z1 protein function. In summary, the available evidence is currently insufficient to determine the role of this variant in disease. Therefore, it has been classified as a Variant of Uncertain Significance.

Mayo Clinic Laboratories, Mayo Clinic
Classification: Likely benign. Last evaluated: 2025-05-27. Review status: criteria provided, single submitter. Criteria: ACMG Guidelines, 2015. Collection method: clinical testing. Allele origin: germline. Observed: 4 variant alleles.
Comment: BS1, BS2_supporting

CeGaT Center for Human Genetics Tuebingen
Classification: Likely benign. Last evaluated: 2025-05-01. Review status: criteria provided, single submitter. Criteria: CeGaT Center For Human Genetics Tuebingen Variant Classification Criteria Version 2. Collection method: clinical testing. Allele origin: germline. Affected: yes. Observed: 6 variant alleles.
Comment: AP5Z1: BP4, BS2

Blueprint Genetics
Classification: Likely benign. Last evaluated: 2024-11-25. Review status: criteria provided, single submitter. Criteria: ACMG Guidelines, 2015. Collection method: clinical testing. Allele origin: germline.

Athena Diagnostics
Classification: Benign. Last evaluated: 2024-07-30. Review status: criteria provided, single submitter. Criteria: Athena Diagnostics Criteria. Collection method: clinical testing. Allele origin: unknown.

Ambry Genetics
Classification: Uncertain significance for Inborn genetic diseases. Last evaluated: 2021-07-09. Review status: criteria provided, single submitter. Criteria: Ambry Variant Classification Scheme 2023. Collection method: clinical testing. Allele origin: germline.

GeneDx
Classification: Uncertain significance. Last evaluated: 2020-11-12. Review status: criteria provided, single submitter. Criteria: GeneDx Variant Classification Process June 2021. Collection method: clinical testing. Allele origin: germline. Affected: yes.
Comment: In silico analysis supports that this missense variant has a deleterious effect on protein structure/function; Has not been previously published as pathogenic or benign to our knowledge

Illumina Laboratory Services, Illumina
Classification: Uncertain significance for Hereditary spastic paraplegia 48. Last evaluated: 2018-01-12. Review status: criteria provided, single submitter. Criteria: ICSL Variant Classification Criteria 13 December 2019. Collection method: clinical testing. Allele origin: germline.

Genome Diagnostics Laboratory, The Hospital for Sick Children
Classification: Uncertain significance for Hereditary spastic paraplegia. Last evaluated: 2017-07-25. Review status: criteria provided, single submitter. Criteria: ACMG Guidelines, 2015. Collection method: clinical testing. Allele origin: germline. Affected: yes.

Institute of Human Genetics, Univ. Regensburg, Univ. Regensburg
Classification: Uncertain significance for Retinal dystrophy. Last evaluated: 2023-01-01. Review status: no assertion criteria provided. Criteria: ACMG Guidelines, 2015. Collection method: clinical testing. Allele origin: germline. Affected: yes. Not counted in ClinVar's aggregate classification.

NM_014855.3(AP5Z1):c.1964C>T (p.Ser655Leu)

Gene: AP5Z1 (adaptor related protein complex 5 subunit zeta 1; plus strand). Cytogenetic location: 7p22.1.
Variant type: single nucleotide variant.
Coding change: c.1964C>T on transcript NM_014855.3 (MANE Select); coding-DNA position 1964, C replaced by T.
Protein change: p.Ser655Leu; replaces serine 655 with leucine.
Molecular consequence: missense variant. On other transcripts: non-coding transcript variant (1).
Genome position (GRCh38, 1-based): chr7:4,790,698, C>T. VCF-style: chr7-4790698-C-T. GRCh37 (hg19) VCF-style: chr7-4830329-C-T.
Other names: c.1964C>T, p.Ser655Leu (LRG_1247t1); c.1496C>T, p.Ser499Leu (NM_001364858.1); short protein forms S655L, S499L.
Identifiers: ClinVar variation 360343 (VCV000360343.69), dbSNP rs61750324, ClinGen allele CA4138240.